The following is an entry in ClinVar:

NM_006015.6(ARID1A):c.624C>A (p.Pro208=)

Gene: ARID1A (AT-rich interaction domain 1A; plus strand). Cytogenetic location: 1p36.11.
Variant type: single nucleotide variant.
Coding change: c.624C>A on transcript NM_006015.6 (MANE Select); coding-DNA position 624, C replaced by A.
Protein change: p.Pro208=; no amino-acid change (proline 208 retained).
Molecular consequence: synonymous variant.
Genome position (GRCh38, 1-based): chr1:26,697,027, C>A. VCF-style: chr1-26697027-C-A. GRCh37 (hg19) VCF-style: chr1-27023518-C-A.
Other names: c.624C>A, p.Pro208= (NM_139135.4).
Identifiers: ClinVar variation 1607017 (VCV001607017.31), dbSNP rs770301214, ClinGen allele CA706642.
Genomic context (GRCh38, chr1:26,697,027, plus strand): 5'-CGGCGGGGGCCTGGAGCCCTACGCGGGGCCCCAGCAGAACTCTCACGACCACGGCTTCCC[C>A]AACCACCAGTACAACTCCTACTACCCCAACCGCAGCGCCTACCCCCCGCCCGCCCCGGCC-3'
Protein context (NP_006006.3, residues 198-218): PQQNSHDHGF[Pro208=]NHQYNSYYPN

ClinVar aggregate classification (germline): Likely benign. Review status: criteria provided, multiple submitters, no conflicts (2 of 4 stars). 2 submissions from 2 submitters: Likely benign (2). Last evaluated 2023-10-01.

Allele frequency attached by ClinVar (database versions not stated): ExAC 0.00002.
gnomAD v4.1: 3 of 1,538,464 alleles (0.00019%); highest among the groups gnomAD compares: Non-Finnish European, 0.00026%; no homozygotes.

Submissions (2):

CeGaT Center for Human Genetics Tuebingen
Classification: Likely benign. Last evaluated: 2023-10-01. Review status: criteria provided, single submitter. Criteria: CeGaT Center For Human Genetics Tuebingen Variant Classification Criteria Version 2. Collection method: clinical testing. Allele origin: germline. Affected: yes. Observed: 1 variant allele.
Comment: ARID1A: BP4, BP7

Labcorp Genetics (formerly Invitae), Labcorp
Classification: Likely benign. Last evaluated: 2021-09-26. Review status: criteria provided, single submitter. Criteria: Invitae Variant Classification Sherloc (09022015). Collection method: clinical testing. Allele origin: germline.